The following is an entry in ClinVar:

ClinVar aggregate classification (germline): Conflicting classifications of pathogenicity. Review status: criteria provided, conflicting classifications (1 of 4 stars). 6 submissions from 6 submitters: Uncertain significance (4); Likely benign (2). Last evaluated 2024-10-17.

Conditions:
Xeroderma pigmentosum, group C (XPC). Also called: XPC-Related Xeroderma Pigmentosum; XERODERMA PIGMENTOSUM III; XP, GROUP C; Xeroderma pigmentosum, complementation group C. Identifiers: Orphanet 910, MedGen C2752147, MONDO:0010211, OMIM 278720.
Inborn genetic diseases. Identifiers: MedGen C0950123, MeSH D030342.
Xeroderma pigmentosum (XP). Identifiers: Orphanet 910, MedGen C0043346, MONDO:0019600.

Allele frequency attached by ClinVar (database versions not stated): gnomAD exomes 0.00005 and 0.00011; gnomAD 0.00009 and 0.00011; ExAC 0.00012; TOPMed 0.00016.
gnomAD v4.1: 109 of 1,613,890 alleles (0.0068%); highest among the groups gnomAD compares: Middle Eastern, 0.13%; 1 homozygote.

Submissions (6):

Labcorp Genetics (formerly Invitae), Labcorp
Classification: Uncertain significance. Last evaluated: 2024-10-17. Review status: criteria provided, single submitter. Criteria: Invitae Variant Classification Sherloc (09022015). Collection method: clinical testing. Allele origin: germline.
Comment: This sequence change replaces arginine, which is basic and polar, with lysine, which is basic and polar, at codon 378 of the XPC protein (p.Arg378Lys). This variant is present in population databases (rs533121927, gnomAD 0.04%). This missense change has been observed in individual(s) with XPC-related conditions (PMID: 18470933). ClinVar contains an entry for this variant (Variation ID: 997481). Invitae Evidence Modeling of protein sequence and biophysical properties (such as structural, functional, and spatial information, amino acid conservation, physicochemical variation, residue mobility, and thermodynamic stability) indicates that this missense variant is not expected to disrupt XPC protein function with a negative predictive value of 80%. In summary, the available evidence is currently insufficient to determine the role of this variant in disease. Therefore, it has been classified as a Variant of Uncertain Significance.

Blueprint Genetics
Classification: Likely benign. Last evaluated: 2024-10-07. Review status: criteria provided, single submitter. Criteria: ACMG Guidelines, 2015. Collection method: clinical testing. Allele origin: germline.

Sema4
Classification: Uncertain significance for Xeroderma pigmentosum. Last evaluated: 2021-12-05. Review status: criteria provided, single submitter. Criteria: Sema4 Curation Guidelines. Collection method: curation. Allele origin: germline.
Comment: The XPC c.1133G>A (p.R378K) variant has not been reported in the literature to our knowledge. It was observed in 15/34420 chromosomes of the Latino subpopulation, with no homozygotes, in the large and broad cohorts of the Genome Aggregation Database (PMID: 32461654). The variant has been reported in ClinVar (Variation ID 997481). In silico tools suggest the impact of the variant on protein function is benign, though these predictions have not been confirmed by functional studies. The evidence is insufficient to meet ACMG/AMP criteria for classifying the variant as benign or pathogenic. Thus, the clinical significance of this variant is currently uncertain.

Institute for Clinical Genetics, University Hospital TU Dresden, University Hospital TU Dresden
Classification: Uncertain significance. Last evaluated: 2021-11-03. Review status: criteria provided, single submitter. Criteria: ACMG Guidelines, 2015. Collection method: clinical testing. Allele origin: germline.

Ambry Genetics
Classification: Likely benign for Inborn genetic diseases. Last evaluated: 2021-06-22. Review status: criteria provided, single submitter. Criteria: Ambry Variant Classification Scheme 2023. Collection method: clinical testing. Allele origin: germline.

Baylor Genetics
Classification: Uncertain significance for Xeroderma pigmentosum, group C. Last evaluated: 2020-07-14. Review status: criteria provided, single submitter. Criteria: ACMG Guidelines, 2015. Collection method: clinical testing. Allele origin: unknown. Affected: yes. Study: CSER-TexasKidsCanSeq.
Comment: This variant was determined to be of uncertain significance according to ACMG Guidelines, 2015 [PMID:25741868].

Literature cited by the submitters: PubMed 18470933 (cited by Labcorp Genetics (formerly Invitae), Labcorp).

NM_004628.5(XPC):c.1133G>A (p.Arg378Lys)

Gene: XPC (XPC complex subunit, DNA damage recognition and repair factor; minus strand). Cytogenetic location: 3p25.1.
Variant type: single nucleotide variant.
Coding change: c.1133G>A on transcript NM_004628.5 (MANE Select); coding-DNA position 1133, G replaced by A.
Protein change: p.Arg378Lys; replaces arginine 378 with lysine.
Molecular consequence: missense variant. On other transcripts: non-coding transcript variant (2).
Genome position (GRCh38, 1-based): chr3:14,158,750, C>T on the plus strand (G>A on the coding strand, the complement: XPC is on the minus strand). VCF-style: chr3-14158750-C-T. GRCh37 (hg19) VCF-style: chr3-14200250-C-T.
Other names: c.554G>A, p.Arg185Lys (NM_001354726.2); c.1133G>A, p.Arg378Lys (NM_001354727.2, NM_001354730.2); c.1115G>A, p.Arg372Lys (NM_001354729.2); short protein forms R185K, R372K, R378K.
Identifiers: ClinVar variation 997481 (VCV000997481.10), dbSNP rs533121927, ClinGen allele CA2267501.
Genomic context (GRCh38, chr3:14,158,750, plus strand): 5'-GAGGAGGGCTTGCTCCGTTTCTTTCTGCCTCCCTTGTTCCTCTTCCCTTTGGCACTTGGC[C>T]TGCAGGTGCCCTTAGCAAAGGTTTCCTCTTGTTTGGTTCCTTTGCTGGTCTTTGGTTTGG-3'
Protein context (NP_004619.3, residues 368-388): QEETFAKGTC[Arg378Lys]PSAKGKRNKG